The following is an entry in ClinVar:

NM_017763.6(RNF43):c.1661G>A (p.Arg554Gln)

Gene: RNF43 (ring finger protein 43; minus strand). Cytogenetic location: 17q22.
Variant type: single nucleotide variant.
Coding change: c.1661G>A on transcript NM_017763.6 (MANE Select); coding-DNA position 1661, G replaced by A.
Protein change: p.Arg554Gln; replaces arginine 554 with glutamine.
Molecular consequence: missense variant.
Genome position (GRCh38, 1-based): chr17:58,358,115, C>T on the plus strand (G>A on the coding strand, the complement: RNF43 is on the minus strand). VCF-style: chr17-58358115-C-T. GRCh37 (hg19) VCF-style: chr17-56435476-C-T.
Other names: c.1661G>A (NM_017763.4); c.1661G>A, p.Arg554Gln (NM_001305544.3); c.1280G>A, p.Arg427Gln (NM_001305545.2); short protein forms R427Q, R554Q.
Identifiers: ClinVar variation 2678419 (VCV002678419.4), dbSNP rs753548385, ClinGen allele CA8673136.
Genomic context (GRCh38, chr17:58,358,115, plus strand): 5'-CCGGTTTCTGGGCCAGGCTTCCTGCCATGCCACTGGAACCGCTTTTTGTAGTGGTGGTGC[C>T]GGTGGCGGTGGTAGTGGACATGGCTGGAAACCTGGGTTTCCCCTGTGGGCACCACCGAGT-3'
Protein context (NP_060233.3, residues 544-564): VSSHVHYHRH[Arg554Gln]HHHYKKRFQW

ClinVar aggregate classification (germline): Uncertain significance. Review status: criteria provided, multiple submitters, no conflicts (2 of 4 stars). 3 submissions from 3 submitters: Uncertain significance (3). Last evaluated 2025-12-30.

Conditions:
Sessile serrated polyposis cancer syndrome (SSPCS). Identifiers: Orphanet 157798, MedGen C4310714, MONDO:0014919, OMIM 617108.

Allele frequency attached by ClinVar (database versions not stated): TOPMed 0.00004; gnomAD exomes 0.00001; ExAC 0.00002; gnomAD 0.00002.

Submissions (3):

Labcorp Genetics (formerly Invitae), Labcorp
Classification: Uncertain significance. Last evaluated: 2025-12-30. Review status: criteria provided, single submitter. Criteria: Invitae Variant Classification Sherloc (09022015). Collection method: clinical testing. Allele origin: germline.
Comment: This sequence change replaces arginine, which is basic and polar, with glutamine, which is neutral and polar, at codon 554 of the RNF43 protein (p.Arg554Gln). This variant is present in population databases (rs753548385, gnomAD 0.007%). This variant has not been reported in the literature in individuals affected with RNF43-related conditions. ClinVar contains an entry for this variant (Variation ID: 2678419). An algorithm developed to predict the effect of missense changes on protein structure and function outputs the following: PolyPhen-2: "Benign". The glutamine amino acid residue is found in multiple mammalian species, which suggests that this missense change does not adversely affect protein function. In summary, the available evidence is currently insufficient to determine the role of this variant in disease. Therefore, it has been classified as a Variant of Uncertain Significance.

Ambry Genetics
Classification: Uncertain significance. Last evaluated: 2024-12-06. Review status: criteria provided, single submitter. Criteria: Ambry Variant Classification Scheme 2023. Collection method: clinical testing. Allele origin: germline.
Comment: The p.R554Q variant (also known as c.1661G>A), located in coding exon 8 of the RNF43 gene, results from a G to A substitution at nucleotide position 1661. The arginine at codon 554 is replaced by glutamine, an amino acid with highly similar properties. This amino acid position is conserved. In addition, this alteration is predicted to be tolerated by in silico analysis. Based on the available evidence, the clinical significance of this variant remains unclear.

Baylor Genetics
Classification: Uncertain significance for Sessile serrated polyposis cancer syndrome. Last evaluated: 2023-06-15. Review status: criteria provided, single submitter. Criteria: ACMG Guidelines, 2015. Collection method: clinical testing. Allele origin: unknown.